The following is an entry in ClinVar:

NM_000059.4(BRCA2):c.8928C>T (p.Ser2976=)

Gene: BRCA2 (BRCA2 DNA repair associated; plus strand). Cytogenetic location: 13q13.1.
Variant type: single nucleotide variant.
Coding change: c.8928C>T on transcript NM_000059.4 (MANE Select); coding-DNA position 8928, C replaced by T.
Protein change: p.Ser2976=; no amino-acid change (serine 2976 retained).
Molecular consequence: synonymous variant.
Genome position (GRCh38, 1-based): chr13:32,379,490, C>T. VCF-style: chr13-32379490-C-T. GRCh37 (hg19) VCF-style: chr13-32953627-C-T.
Identifiers: ClinVar variation 390268 (VCV000390268.17), dbSNP rs771267741, ClinGen allele CA6941310.

ClinVar aggregate classification (germline): Likely benign. Review status: criteria provided, multiple submitters, no conflicts (2 of 4 stars). 6 submissions from 6 submitters: Likely benign (6). Last evaluated 2024-07-02.

Conditions:
Hereditary cancer-predisposing syndrome. Also called: Neoplastic Syndromes, Hereditary; Hereditary neoplastic syndrome; Tumor predisposition; Hereditary Cancer Syndrome. Identifiers: Orphanet 140162, MedGen C0027672, MeSH D009386, MONDO:0015356.
Breast-ovarian cancer, familial, susceptibility to, 2 (BROVCA2). Also called: BRCA2 Hereditary Breast and Ovarian Cancer. Identifiers: Orphanet 145, MedGen C2675520, MONDO:0012933, OMIM 612555. Disease mechanism: loss of function.
Hereditary breast ovarian cancer syndrome. Also called: Hereditary breast and ovarian cancer; Breast and ovarian cancer; BRCA1- and BRCA2-Associated Hereditary Breast and Ovarian Cancer; Hereditary breast and ovarian cancer syndrome (HBOC); Hereditary breast and/or ovarian cancer syndrome; Hereditary breast and ovarian cancer syndrome. Identifiers: Orphanet 145, MedGen C0677776, MeSH D061325, MONDO:0003582. Disease mechanism: loss of function.

Allele frequency attached by ClinVar (database versions not stated): gnomAD exomes below 0.00001; ExAC 0.00001.
gnomAD v4.1: 3 of 1,612,446 alleles (0.00019%); highest among the groups gnomAD compares: East Asian, 0.0045%; no homozygotes.

Submissions (6):

Labcorp Genetics (formerly Invitae), Labcorp
Classification: Likely benign for Hereditary breast ovarian cancer syndrome. Last evaluated: 2024-07-02. Review status: criteria provided, single submitter. Criteria: Invitae Variant Classification Sherloc (09022015). Collection method: clinical testing. Allele origin: germline.

Women's Health and Genetics/Laboratory Corporation of America, LabCorp
Classification: Likely benign. Last evaluated: 2024-03-29. Review status: criteria provided, single submitter. Criteria: LabCorp Variant Classification Summary - May 2015. Collection method: clinical testing. Allele origin: germline.

All of Us Research Program, National Institutes of Health
Classification: Likely benign for Breast-ovarian cancer, familial, susceptibility to, 2. Last evaluated: 2022-11-30. Review status: criteria provided, single submitter. Criteria: ACMG Guidelines, 2015. Collection method: clinical testing. Allele origin: germline. Inheritance: Autosomal dominant inheritance. Observed: 1 variant allele, 1 heterozygote.
Comment: This study involves interpretation of variants in research participants for the purpose of population health screening. Participant phenotype was not available at the time of variant classification. Additional details can be found in publication PMID: 35346344, PMCID: PMC8962531

Ambry Genetics
Classification: Likely benign for Hereditary cancer-predisposing syndrome. Last evaluated: 2020-05-29. Review status: criteria provided, single submitter. Criteria: Ambry Variant Classification Scheme 2023. Collection method: clinical testing. Allele origin: germline.

Color Diagnostics, LLC DBA Color Health
Classification: Likely benign for Hereditary cancer-predisposing syndrome. Last evaluated: 2017-01-22. Review status: criteria provided, single submitter. Criteria: ACMG Guidelines, 2015. Collection method: clinical testing. Allele origin: germline.

GeneDx
Classification: Likely benign. Last evaluated: 2016-10-20. Review status: criteria provided, single submitter. Criteria: GeneDx Variant Classification (06012015). Collection method: clinical testing. Allele origin: germline. Affected: yes.
Comment: This variant is considered likely benign or benign based on one or more of the following criteria: it is a conservative change, it occurs at a poorly conserved position in the protein, it is predicted to be benign by multiple in silico algorithms, and/or has population frequency not consistent with disease.